The following is an entry in ClinVar:

NM_176787.5(PIGN):c.679T>C (p.Tyr227His)

Gene: PIGN (phosphatidylinositol glycan anchor biosynthesis class N; minus strand). Cytogenetic location: 18q21.33.
Variant type: single nucleotide variant.
Coding change: c.679T>C on transcript NM_176787.5 (MANE Select); coding-DNA position 679, T replaced by C.
Protein change: p.Tyr227His; replaces tyrosine 227 with histidine.
Molecular consequence: missense variant.
Genome position (GRCh38, 1-based): chr18:62,147,097, A>G on the plus strand (T>C on the coding strand, the complement: PIGN is on the minus strand). VCF-style: chr18-62147097-A-G. GRCh37 (hg19) VCF-style: chr18-59814330-A-G.
Other names: c.679T>C, p.Tyr227His (NM_012327.6); short protein forms Y227H.
Identifiers: ClinVar variation 2092572 (VCV002092572.4), dbSNP rs2513949914, ClinGen allele CA402601841.

ClinVar aggregate classification (germline): Uncertain significance (1 of 4 stars; one submission).

Conditions:
Multiple congenital anomalies-hypotonia-seizures syndrome 1 (MCAHS1). Also called: GLYCOSYLPHOSPHATIDYLINOSITOL BIOSYNTHESIS DEFECT 3; PIGN-CDG; Congenital disorder of glycosylation due to PIGN deficiency. Identifiers: Orphanet 280633, MedGen C3279775, MONDO:0013563, OMIM 614080.

Submission:

Labcorp Genetics (formerly Invitae), Labcorp
Classification: Uncertain significance for Multiple congenital anomalies-hypotonia-seizures syndrome 1. Last evaluated: 2022-02-28. Review status: criteria provided, single submitter. Criteria: Invitae Variant Classification Sherloc (09022015). Collection method: clinical testing. Allele origin: germline.
Comment: This sequence change replaces tyrosine, which is neutral and polar, with histidine, which is basic and polar, at codon 227 of the PIGN protein (p.Tyr227His). This variant is not present in population databases (gnomAD no frequency). This variant has not been reported in the literature in individuals affected with PIGN-related conditions. Algorithms developed to predict the effect of missense changes on protein structure and function are either unavailable or do not agree on the potential impact of this missense change (SIFT: "Not Available"; PolyPhen-2: "Probably Damaging"; Align-GVGD: "Not Available"). In summary, the available evidence is currently insufficient to determine the role of this variant in disease. Therefore, it has been classified as a Variant of Uncertain Significance.